The following is an entry in ClinVar:

NM_001382391.1(CSPP1):c.1342C>T (p.Pro448Ser)

Gene: CSPP1 (centrosome and spindle pole associated protein 1; plus strand). Cytogenetic location: 8q13.2.
Variant type: single nucleotide variant.
Coding change: c.1342C>T on transcript NM_001382391.1 (MANE Select); coding-DNA position 1342, C replaced by T.
Protein change: p.Pro448Ser; replaces proline 448 with serine.
Molecular consequence: missense variant.
Genome position (GRCh38, 1-based): chr8:67,115,968, C>T. VCF-style: chr8-67115968-C-T. GRCh37 (hg19) VCF-style: chr8-68028203-C-T.
Other names: c.445C>T, p.Pro149Ser (NM_001291339.2); c.1261C>T, p.Pro421Ser (NM_001363131.2); c.1300C>T, p.Pro434Ser (NM_001363132.2); c.1219C>T, p.Pro407Ser (NM_001363133.2); c.1408C>T, p.Pro470Ser (NM_001364869.1); c.1228C>T, p.Pro410Ser (NM_001364870.1); c.1327C>T, p.Pro443Ser (NM_024790.7); short protein forms P149S, P421S, P470S, P410S, P434S, P407S, P443S, P448S.
Identifiers: ClinVar variation 1470315 (VCV001470315.8), dbSNP rs2129550850, ClinGen allele CA371198400.

ClinVar aggregate classification (germline): Uncertain significance (1 of 4 stars; one submission).

Conditions:
Joubert syndrome 21 (JBTS21). Identifiers: MedGen C3810212, MONDO:0014288, OMIM 615636.

Submission:

Labcorp Genetics (formerly Invitae), Labcorp
Classification: Uncertain significance for Joubert syndrome 21. Last evaluated: 2022-06-13. Review status: criteria provided, single submitter. Criteria: Invitae Variant Classification Sherloc (09022015). Collection method: clinical testing. Allele origin: germline.
Comment: In summary, the available evidence is currently insufficient to determine the role of this variant in disease. Therefore, it has been classified as a Variant of Uncertain Significance. Algorithms developed to predict the effect of missense changes on protein structure and function are either unavailable or do not agree on the potential impact of this missense change (SIFT: "Tolerated"; PolyPhen-2: "Probably Damaging"; Align-GVGD: "Class C0"). This variant has not been reported in the literature in individuals affected with CSPP1-related conditions. This variant is not present in population databases (gnomAD no frequency). This sequence change replaces proline, which is neutral and non-polar, with serine, which is neutral and polar, at codon 443 of the CSPP1 protein (p.Pro443Ser).